The following is an entry in ClinVar:

ClinVar aggregate classification (germline): Uncertain significance (1 of 4 stars; one submission).

Conditions:
Joubert syndrome 21 (JBTS21). Identifiers: MedGen C3810212, MONDO:0014288, OMIM 615636.

Allele frequency attached by ClinVar (database versions not stated): gnomAD exomes below 0.00001.
gnomAD v4.1: 2 of 1,596,044 alleles (0.00013%); highest among the groups gnomAD compares: Non-Finnish European, 0.00017%; no homozygotes.

Submission:

Labcorp Genetics (formerly Invitae), Labcorp
Classification: Uncertain significance for Joubert syndrome 21. Last evaluated: 2024-01-21. Review status: criteria provided, single submitter. Criteria: Invitae Variant Classification Sherloc (09022015). Collection method: clinical testing. Allele origin: germline.
Comment: This sequence change replaces isoleucine, which is neutral and non-polar, with asparagine, which is neutral and polar, at codon 729 of the CSPP1 protein (p.Ile729Asn). This variant is not present in population databases (gnomAD no frequency). This variant has not been reported in the literature in individuals affected with CSPP1-related conditions. An algorithm developed to predict the effect of missense changes on protein structure and function (PolyPhen-2) suggests that this variant is likely to be disruptive. In summary, the available evidence is currently insufficient to determine the role of this variant in disease. Therefore, it has been classified as a Variant of Uncertain Significance.

NM_001382391.1(CSPP1):c.2201T>A (p.Ile734Asn)

Gene: CSPP1 (centrosome and spindle pole associated protein 1; plus strand). Cytogenetic location: 8q13.2.
Variant type: single nucleotide variant.
Coding change: c.2201T>A on transcript NM_001382391.1 (MANE Select); coding-DNA position 2201, T replaced by A.
Protein change: p.Ile734Asn; replaces isoleucine 734 with asparagine.
Molecular consequence: missense variant.
Genome position (GRCh38, 1-based): chr8:67,154,096, T>A. VCF-style: chr8-67154096-T-A. GRCh37 (hg19) VCF-style: chr8-68066331-T-A.
Other names: c.1151T>A, p.Ile384Asn (NM_001291339.2); c.2120T>A, p.Ile707Asn (NM_001363131.2); c.2006T>A, p.Ile669Asn (NM_001363132.2); c.1925T>A, p.Ile642Asn (NM_001363133.2); c.2267T>A, p.Ile756Asn (NM_001364869.1); c.2087T>A, p.Ile696Asn (NM_001364870.1); c.2186T>A, p.Ile729Asn (NM_024790.7); short protein forms I642N, I669N, I696N, I756N, I707N, I384N, I729N, I734N.
Identifiers: ClinVar variation 2897885 (VCV002897885.3), dbSNP rs1384135323, ClinGen allele CA371187949.